The following continues an entry in ClinVar:

NM_000257.4(MYH7):c.2011C>T (p.Arg671Cys)

Gene: MYH7. ClinVar aggregate classification (germline): Pathogenic/Likely pathogenic. Pathogenic (8); Likely pathogenic (6).

Submissions 8 to 14 of 14:

GeneDx
Classification: Likely pathogenic. Last evaluated: 2024-08-16. Review status: criteria provided, single submitter. Criteria: GeneDx Variant Classification Process June 2021. Collection method: clinical testing. Allele origin: germline. Affected: yes.
Comment: Not observed at significant frequency in large population cohorts (gnomAD); In silico analysis supports that this missense variant has a deleterious effect on protein structure/function; This variant is associated with the following publications: (PMID: 12820698, 27532257, 12707239, 21310275, 25132132, 30626765, 27885498, 36143288, 31941943, 31447099, 25611685, 34345284, 28606303, 38377203, 37652022, 37850193, 29300372, 32381727, 36693943)

ARUP Laboratories, Molecular Genetics and Genomics, ARUP Laboratories
Classification: Pathogenic. Last evaluated: 2024-05-17. Review status: criteria provided, single submitter. Criteria: ARUP Molecular Germline Variant Investigation Process 2024. Collection method: clinical testing. Allele origin: germline.
Comment: The MYH7 c.2011C>T; p.Arg671Cys variant (rs727503263; ClinVar ID: 164350) is reported in the literature in multiple individuals and families affected with hypertrophic cardiomyopathy (Alfares 2015, Chida 2017, Richard 2003, Walsh 2017, Wang 2014), including at least one individual in which the variant arose de novo (Zhao 2021). This variant is absent from the Genome Aggregation Database (v2.1.1), indicating it is not a common polymorphism. This variant occurs in the critical myosin head domain, and computational analyses predict that this variant is deleterious (REVEL: 0.942). Based on available information, this variant is considered to be pathogenic. References: Alfares AA et al. Results of clinical genetic testing of 2,912 probands with hypertrophic cardiomyopathy: expanded panels offer limited additional sensitivity. Genet Med. 2015 Nov;17(11):880-8. PMID: 25611685. Chida A et al. Prognostic predictive value of gene mutations in Japanese patients with hypertrophic cardiomyopathy. Heart Vessels. 2017 Jun;32(6):700-707. PMID: 27885498. Richard P et al. Hypertrophic cardiomyopathy: distribution of disease genes, spectrum of mutations, and implications for a molecular diagnosis strategy. Circulation. 2003 May 6;107(17):2227-32. PMID: 12707239. Walsh R et al. Reassessment of Mendelian gene pathogenicity using 7,855 cardiomyopathy cases and 60,706 reference samples. Genet Med. 2017 Feb;19(2):192-203. PMID: 27532257. Wang J et al. Malignant effects of multiple rare variants in sarcomere genes on the prognosis of patients with hypertrophic cardiomyopathy. Eur J Heart Fail. 2014 Sep;16(9):950-7. PMID: 25132132. Zhao S et al. Diagnostic yield and clinical impact of exome sequencing in early-onset scoliosis (EOS). J Med Genet. 2021 Jan;58(1):41-47. PMID: 32381727.

Women's Health and Genetics/Laboratory Corporation of America, LabCorp
Classification: Pathogenic for Cardiomyopathy. Last evaluated: 2023-09-05. Review status: criteria provided, single submitter. Criteria: LabCorp Variant Classification Summary - May 2015. Collection method: clinical testing. Allele origin: germline.
Comment: Variant summary: MYH7 c.2011C>T (p.Arg671Cys) results in a non-conservative amino acid change in the encoded protein sequence. Five of five in-silico tools predict a damaging effect of the variant on protein function. The variant was absent in 252082 control chromosomes. c.2011C>T has been reported in the literature in multiple individuals affected with Cardiomyopathy (e.g. Mohiddin_2003, Richard_2003, Wang_2014, Zhao_2021, Chida_2017, Walsh_2017). Additionally it was observed de novo patient (Zhao_2021) and in a family with Cardiomyopathy (Chida_2017). These data indicate that the variant is very likely to be associated with disease. To our knowledge, no experimental evidence demonstrating an impact on protein function has been reported. The following publications have been ascertained in the context of this evaluation (PMID: 27885498, 12820698, 12707239, 27532257, 25132132, 32381727). Eight submitters have cited clinical-significance assessments for this variant to ClinVar after 2014 and classified as VUS (n=1) and pathogenic/likely pathogenic (n=7). Based on the evidence outlined above, the variant was classified as pathogenic.

3billion
Classification: Pathogenic for Hypertrophic cardiomyopathy 1. Last evaluated: 2022-03-22. Review status: criteria provided, single submitter. Criteria: ACMG Guidelines, 2015. Collection method: clinical testing. Allele origin: germline. Affected: yes. Observed: 1 heterozygote.
Comment: Same nucleotide change resulting in same amino acid change has been previously reported as pathogenic/likely pathogenic with strong evidence (ClinVar ID: VCV000164350, PMID:12707239). Different pathogenic/likely pathogenic amino acid change has been reported with supporting evidence at the same codon (PMID:25132132). The variant is located in a mutational hot spot and/or well-established functional domain in which established pathogenic variants have been reported. In silico tool predictions suggest damaging effect of the variant on gene or gene product (REVEL: 0.942>=0.6, 3CNET: 0.993>=0.75). It is not observed in the gnomAD v2.1.1 dataset. Therefore, this variant is classified as pathogenic according to the recommendation of ACMG/AMP guideline.

Laboratory for Molecular Medicine, Mass General Brigham Personalized Medicine
Classification: Likely pathogenic for Hypertrophic cardiomyopathy. Last evaluated: 2019-08-16. Review status: criteria provided, single submitter. Criteria: LMM Criteria. Collection method: clinical testing. Allele origin: germline. Inheritance: Autosomal dominant inheritance. Observed: 4 variant alleles.
Comment: The p.Arg671Cys variant in MYH7 has been reported in 8 individuals with HCM (Mohiddin 2003, Richard 2003, Wang 2014, Walsh 2017, LMM data). It was absent from large population studies. Computational prediction tools and conservation analysis suggest that this variant may impact the protein. Of note, this variant lies in the head region of the protein. Missense variants in this region have been reported and statistically indicated to be more likely to cause disease (Walsh 2016). In summary, although additional studies are required to fully establish its clinical significance, this variant meets criteria to be classified as likely pathogenic for autosomal dominant HCM. ACMG/AMP Criteria applied: PM1, PM2, PS4_Moderate, PP3.

Centre for Mendelian Genomics, University Medical Centre Ljubljana
Classification: Likely pathogenic for Congenital myopathy 4A, autosomal dominant. Last evaluated: 2019-07-04. Review status: criteria provided, single submitter. Criteria: ACMG Guidelines, 2015. Collection method: clinical testing. Allele origin: unknown. Affected: yes.
Comment: This variant was classified as: Likely pathogenic. The following ACMG criteria were applied in classifying this variant: PS1,PM1,PM2,PP3.

Human Genome Sequencing Center Clinical Lab, Baylor College of Medicine
Classification: Likely pathogenic for Familial hypertrophic cardiomyopathy 1. Last evaluated: 2019-03-15. Review status: criteria provided, single submitter. Criteria: ACMG Guidelines, 2015. Collection method: clinical testing. Allele origin: germline.
Comment: The c.2011C>T (p.Arg671Cys) variant in the MYH7 gene has been reported in multiple unrelated individuals affected with hypertrophic cardiomyopathy (PMID 12820698, 12707239, 25132132, 27532257) and is not observed in general population databases. This variant is located in the critical myosin head domain of MYH7 and is predicted to be damaging by multiple in silico algorithms. Therefore, this c.2011C>T (p.Arg671Cys) variant in the MYH7 gene is classified as likely pathogenic.

Literature cited by the submitters: PubMed 12707239 (cited by 6 submitters); PubMed 12820698 (cited by 5 submitters); PubMed 25132132 (cited by 6 submitters); PubMed 27532257 (cited by 5 submitters); PubMed 29300372 (cited by Victorian Clinical Genetics Services, Murdoch Childrens Research Institute); PubMed 24714796 (cited by Victorian Clinical Genetics Services, Murdoch Childrens Research Institute); PubMed 34345284 (cited by Victorian Clinical Genetics Services, Murdoch Childrens Research Institute and Color Diagnostics, LLC DBA Color Health); PubMed 25611685 (cited by Color Diagnostics, LLC DBA Color Health and Ambry Genetics); PubMed 27885498 (cited by 3 submitters); PubMed 31941943 (cited by Color Diagnostics, LLC DBA Color Health); PubMed 35176171 (cited by Color Diagnostics, LLC DBA Color Health); PubMed 21310275 (cited by Ambry Genetics); PubMed 32381727 (cited by Ambry Genetics and Women's Health and Genetics/Laboratory Corporation of America, LabCorp).